The following is an entry in ClinVar:

ClinVar aggregate classification (germline): Uncertain significance. Review status: criteria provided, multiple submitters, no conflicts (2 of 4 stars). 2 submissions from 2 submitters: Uncertain significance (2). Last evaluated 2023-10-05.

Allele frequency attached by ClinVar (database versions not stated): gnomAD exomes 0.00001.
gnomAD v4.1: 8 of 1,611,384 alleles (0.0005%); highest among the groups gnomAD compares: Admixed American, 0.0017%; no homozygotes.

Submissions (2):

Labcorp Genetics (formerly Invitae), Labcorp
Classification: Uncertain significance. Last evaluated: 2023-10-05. Review status: criteria provided, single submitter. Criteria: Invitae Variant Classification Sherloc (09022015). Collection method: clinical testing. Allele origin: germline.
Comment: This sequence change affects codon 1308 of the COL11A1 mRNA. It is a 'silent' change, meaning that it does not change the encoded amino acid sequence of the COL11A1 protein. This variant also falls at the last nucleotide of exon 51, which is part of the consensus splice site for this exon. The frequency data for this variant in the population databases is considered unreliable, as metrics indicate poor data quality at this position in the gnomAD database. This variant has not been reported in the literature in individuals affected with COL11A1-related conditions. Variants that disrupt the consensus splice site are a relatively common cause of aberrant splicing (PMID: 17576681, 9536098). Algorithms developed to predict the effect of sequence changes on RNA splicing suggest that this variant may create or strengthen a splice site. In summary, the available evidence is currently insufficient to determine the role of this variant in disease. Therefore, it has been classified as a Variant of Uncertain Significance.

Blueprint Genetics
Classification: Uncertain significance. Last evaluated: 2022-01-21. Review status: criteria provided, single submitter. Criteria: ACMG Guidelines, 2015. Collection method: clinical testing. Allele origin: germline.

Literature cited by the submitters: PubMed 17576681 (cited by Labcorp Genetics (formerly Invitae), Labcorp); PubMed 9536098 (cited by Labcorp Genetics (formerly Invitae), Labcorp).

NM_001854.4(COL11A1):c.3924G>A (p.Pro1308=)

Gene: COL11A1 (collagen type XI alpha 1 chain; minus strand). Cytogenetic location: 1p21.1.
Variant type: single nucleotide variant.
Coding change: c.3924G>A on transcript NM_001854.4 (MANE Select); coding-DNA position 3924, G replaced by A.
Protein change: p.Pro1308=; no amino-acid change (proline 1308 retained).
Molecular consequence: synonymous variant. On other transcripts: non-coding transcript variant (1).
Genome position (GRCh38, 1-based): chr1:102,914,704, C>T on the plus strand (G>A on the coding strand, the complement: COL11A1 is on the minus strand). VCF-style: chr1-102914704-C-T. GRCh37 (hg19) VCF-style: chr1-103380260-C-T.
Other names: c.3576G>A, p.Pro1192= (NM_001168249.1, NM_080630.4); c.3807G>A, p.Pro1269= (NM_001190709.2); c.3960G>A, p.Pro1320= (NM_080629.3).
Identifiers: ClinVar variation 2799876 (VCV002799876.4), dbSNP rs890655145, ClinGen allele CA27676939.